The following is an entry in ClinVar:

NM_007294.4(BRCA1):c.135-226T>A

Gene: BRCA1 (BRCA1 DNA repair associated; minus strand). Cytogenetic location: 17q21.31.
Variant type: single nucleotide variant.
Coding change: c.135-226T>A on transcript NM_007294.4 (MANE Select); 226 bases into the intron before coding-DNA position 135, T replaced by A.
Molecular consequence: intron variant.
Genome position (GRCh38, 1-based): chr17:43,106,759, A>T on the plus strand (T>A on the coding strand, the complement: BRCA1 is on the minus strand). VCF-style: chr17-43106759-A-T. GRCh37 (hg19) VCF-style: chr17-41258776-A-T.
Other names: c.-7-226T>A (NM_001408410.1, NM_001407741.1, NM_001408458.1 and 99 more transcripts); c.135-1803T>A (NM_001408415.1, NM_001408475.1, NM_001407875.1 and 21 more transcripts); c.-54-226T>A (NM_001408483.1, NM_001407885.1, NM_001407886.1 and 58 more transcripts); c.135-226T>A (NM_001407634.1, NM_001407610.1, NM_001408442.1 and 167 more transcripts); c.-218-11899T>A (NM_001407967.1, NM_001407966.1); c.-169-1803T>A (NM_001407959.1, NM_001407962.1, NM_001408512.1 and 4 more transcripts); c.81-1803T>A (NM_001408451.1).
Identifiers: ClinVar variation 223573 (VCV000223573.4), dbSNP rs189133089, ClinGen allele CA351039.

ClinVar aggregate classification (germline): Likely benign. Review status: criteria provided, single submitter (1 of 4 stars). 2 submissions from 2 submitters: Likely benign (1). 1 of the submissions does not count toward it. Last evaluated 2018-06-18.

Conditions:
Hereditary cancer-predisposing syndrome. Also called: Tumor predisposition; Hereditary neoplastic syndrome; Neoplastic Syndromes, Hereditary; Hereditary Cancer Syndrome. Identifiers: Orphanet 140162, MedGen C0027672, MeSH D009386, MONDO:0015356.

Allele frequency attached by ClinVar (database versions not stated): TOPMed 0.00051; 1000 Genomes Project 0.00060; 1000 Genomes Project 30x 0.00078; gnomAD 0.00303 and 0.00314.
gnomAD v4.1: 453 of 152,354 alleles (0.3%); highest among the groups gnomAD compares: Non-Finnish European, 0.12%; 10 homozygotes.

Submissions (2):

GeneDx
Classification: Likely benign. Last evaluated: 2018-06-18. Review status: criteria provided, single submitter. Criteria: GeneDx Variant Classification (06012015). Collection method: clinical testing. Allele origin: germline. Affected: yes.
Comment: This variant is considered likely benign or benign based on one or more of the following criteria: it is a conservative change, it occurs at a poorly conserved position in the protein, it is predicted to be benign by multiple in silico algorithms, and/or has population frequency not consistent with disease.

University of Washington Department of Laboratory Medicine, University of Washington
Classification: Likely benign for Hereditary cancer-predisposing syndrome. Last evaluated: 2015-12-01. Review status: no assertion criteria provided. Collection method: clinical testing. Allele origin: germline. Affected: yes. Not counted in ClinVar's aggregate classification.